The following is an entry in ClinVar:

ClinVar aggregate classification (germline): Uncertain significance. Review status: criteria provided, multiple submitters, no conflicts (2 of 4 stars). 2 submissions from 2 submitters: Uncertain significance (2). Last evaluated 2024-12-10.

Conditions:
Inborn genetic diseases. Identifiers: MedGen C0950123, MeSH D030342.

Allele frequency attached by ClinVar (database versions not stated): gnomAD 0.00001; gnomAD exomes 0.00001 and 0.00003; ExAC 0.00002; TOPMed 0.00002; ESP Exome Variant Server 0.00008.
gnomAD v4.1: 45 of 1,613,944 alleles (0.0028%); highest among the groups gnomAD compares: Non-Finnish European, 0.0036%; no homozygotes.

Submissions (2):

Ambry Genetics
Classification: Uncertain significance for Inborn genetic diseases. Last evaluated: 2024-12-10. Review status: criteria provided, single submitter. Criteria: Ambry Variant Classification Scheme 2023. Collection method: clinical testing. Allele origin: germline.

Labcorp Genetics (formerly Invitae), Labcorp
Classification: Uncertain significance. Last evaluated: 2022-06-20. Review status: criteria provided, single submitter. Criteria: Invitae Variant Classification Sherloc (09022015). Collection method: clinical testing. Allele origin: germline.
Comment: This sequence change replaces proline, which is neutral and non-polar, with serine, which is neutral and polar, at codon 721 of the IMPG2 protein (p.Pro721Ser). This variant is present in population databases (rs374990792, gnomAD 0.003%). This variant has not been reported in the literature in individuals affected with IMPG2-related conditions. Algorithms developed to predict the effect of missense changes on protein structure and function output the following: SIFT: "Tolerated"; PolyPhen-2: "Benign"; Align-GVGD: "Class C0". The serine amino acid residue is found in multiple mammalian species, which suggests that this missense change does not adversely affect protein function. In summary, the available evidence is currently insufficient to determine the role of this variant in disease. Therefore, it has been classified as a Variant of Uncertain Significance.

NM_016247.4(IMPG2):c.2161C>T (p.Pro721Ser)

Gene: IMPG2 (interphotoreceptor matrix proteoglycan 2; minus strand). Cytogenetic location: 3q12.3.
Variant type: single nucleotide variant.
Coding change: c.2161C>T on transcript NM_016247.4 (MANE Select); coding-DNA position 2161, C replaced by T.
Protein change: p.Pro721Ser; replaces proline 721 with serine.
Molecular consequence: missense variant.
Genome position (GRCh38, 1-based): chr3:101,244,170, G>A on the plus strand (C>T on the coding strand, the complement: IMPG2 is on the minus strand). VCF-style: chr3-101244170-G-A. GRCh37 (hg19) VCF-style: chr3-100963014-G-A.
Other names: c.2161C>T (NM_016247.3); short protein forms P721S.
Identifiers: ClinVar variation 1419563 (VCV001419563.7), dbSNP rs374990792, ClinGen allele CA2519031.